The following is an entry in ClinVar:

ClinVar aggregate classification (germline): Pathogenic/Likely pathogenic. Review status: criteria provided, multiple submitters, no conflicts (2 of 4 stars). 2 submissions from 2 submitters: Pathogenic (1); Likely pathogenic (1). Last evaluated 2024-02-01.

Conditions:
Deficiency of galactokinase. Also called: GALACTOSEMIA II; Galactokinase deficiency with cataracts. Identifiers: Orphanet 352, Orphanet 79237, MedGen C0268155, MONDO:0009255, OMIM 230200.

Submissions (2):

Labcorp Genetics (formerly Invitae), Labcorp
Classification: Pathogenic for Deficiency of galactokinase. Last evaluated: 2024-02-01. Review status: criteria provided, single submitter. Criteria: Invitae Variant Classification Sherloc (09022015). Collection method: clinical testing. Allele origin: germline.
Comment: This sequence change creates a premature translational stop signal (p.Gln89*) in the GALK1 gene. It is expected to result in an absent or disrupted protein product. Loss-of-function variants in GALK1 are known to be pathogenic (PMID: 7670469, 10790206). This variant is not present in population databases (gnomAD no frequency). This variant has not been reported in the literature in individuals affected with GALK1-related conditions. ClinVar contains an entry for this variant (Variation ID: 1452734). For these reasons, this variant has been classified as Pathogenic.

Baylor Genetics
Classification: Likely pathogenic for Deficiency of galactokinase. Last evaluated: 2022-04-23. Review status: criteria provided, single submitter. Criteria: ACMG Guidelines, 2015. Collection method: clinical testing. Allele origin: unknown.

Literature cited by the submitters: PubMed 7670469 (cited by Labcorp Genetics (formerly Invitae), Labcorp); PubMed 10790206 (cited by Labcorp Genetics (formerly Invitae), Labcorp).

NM_000154.2(GALK1):c.265C>T (p.Gln89Ter)

Gene: GALK1 (galactokinase 1; minus strand). Cytogenetic location: 17q25.1.
Variant type: single nucleotide variant.
Coding change: c.265C>T on transcript NM_000154.2 (MANE Select); coding-DNA position 265, C replaced by T.
Protein change: p.Gln89Ter; replaces glutamine 89 with a stop codon.
Molecular consequence: nonsense.
Genome position (GRCh38, 1-based): chr17:75,763,987, G>A on the plus strand (C>T on the coding strand, the complement: GALK1 is on the minus strand). VCF-style: chr17-75763987-G-A. GRCh37 (hg19) VCF-style: chr17-73760068-G-A.
Other names: c.265C>T, p.Gln89Ter (NM_001381985.1); short protein forms Q89*.
Identifiers: ClinVar variation 1452734 (VCV001452734.7), dbSNP rs2143605190, ClinGen allele CA401106953.
Genomic context (GRCh38, chr17:75,763,987, plus strand): 5'-AGTTGGCCCACCGAGGAGTCCCAGGCTCCAGCGAGCGCTGGGCTGTGGGCAGTGGAAACT[G>A]CAGCCGCTGGGGCTCATCGGCACCCTCAGAGGTGGTGAGGAGAGACACCAGCCCATCCTT-3'